The following is an entry in ClinVar:

ClinVar aggregate classification (germline): Conflicting classifications of pathogenicity. Review status: criteria provided, conflicting classifications (1 of 4 stars). 2 submissions from 2 submitters: Likely pathogenic (1); Uncertain significance (1). Last evaluated 2025-05-01.

Conditions:
DeSanto-Shinawi syndrome due to WAC point mutation (DESSH). Also called: WAC-Related Intellectual Disability; DEVELOPMENTAL DELAY, BEHAVIORAL ABNORMALITIES, FACIAL DYSMORPHISM, AND OCULAR ABNORMALITIES; Facial dysmorphism-developmental delay-behavioral abnormalities syndrome due to WAC point mutation. Identifiers: Orphanet 284169, Orphanet 466950, MedGen C5681129, MONDO:0014741, OMIM 616708.

Submissions (2):

CeGaT Center for Human Genetics Tuebingen
Classification: Likely pathogenic. Last evaluated: 2025-05-01. Review status: criteria provided, single submitter. Criteria: CeGaT Center For Human Genetics Tuebingen Variant Classification Criteria Version 2. Collection method: clinical testing. Allele origin: germline. Affected: yes. Observed: 1 variant allele.
Comment: WAC: PM2, PM6, PVS1:Moderate

MVZ Martinsried, Medicover Genetics
Classification: Uncertain significance for DeSanto-Shinawi syndrome due to WAC point mutation. Last evaluated: 2024-11-07. Review status: criteria provided, single submitter. Criteria: ACGS Guidelines, 2020. Collection method: clinical testing. Allele origin: unknown. Affected: yes.

NM_016628.5(WAC):c.1870C>T (p.Gln624Ter)

Gene: WAC (WW domain containing adaptor with coiled-coil; plus strand). Cytogenetic location: 10p12.1.
Variant type: single nucleotide variant.
Coding change: c.1870C>T on transcript NM_016628.5 (MANE Select); coding-DNA position 1870, C replaced by T.
Protein change: p.Gln624Ter; replaces glutamine 624 with a stop codon.
Molecular consequence: nonsense.
Genome position (GRCh38, 1-based): chr10:28,617,780, C>T. VCF-style: chr10-28617780-C-T. GRCh37 (hg19) VCF-style: chr10-28906709-C-T.
Other names: c.1735C>T, p.Gln579Ter (NM_100264.3); c.1561C>T, p.Gln521Ter (NM_100486.4); c.1870C>T (NM_016628.4); short protein forms Q521*, Q579*, Q624*.
Identifiers: ClinVar variation 3342141 (VCV003342141.17).